The following is an entry in ClinVar:

NM_152703.5(SAMD9L):c.1987G>A (p.Glu663Lys)

Gene: SAMD9L (sterile alpha motif domain containing 9 like; minus strand). Cytogenetic location: 7q21.2.
Variant type: single nucleotide variant.
Coding change: c.1987G>A on transcript NM_152703.5 (MANE Select); coding-DNA position 1987, G replaced by A.
Protein change: p.Glu663Lys; replaces glutamic acid 663 with lysine.
Molecular consequence: missense variant.
Genome position (GRCh38, 1-based): chr7:93,133,985, C>T on the plus strand (G>A on the coding strand, the complement: SAMD9L is on the minus strand). VCF-style: chr7-93133985-C-T. GRCh37 (hg19) VCF-style: chr7-92763298-C-T.
Other names: c.1987G>A, p.Glu663Lys (NM_001303496.3, NM_001303497.3, NM_001303498.3 and 5 more transcripts); short protein forms E663K.
Identifiers: ClinVar variation 3375524 (VCV003375524.3).

ClinVar aggregate classification (germline): Uncertain significance. Review status: criteria provided, multiple submitters, no conflicts (2 of 4 stars). 2 submissions from 2 submitters: Uncertain significance (2). Last evaluated 2024-08-05.

Submissions (2):

Labcorp Genetics (formerly Invitae), Labcorp
Classification: Uncertain significance. Last evaluated: 2024-08-05. Review status: criteria provided, single submitter. Criteria: Invitae Variant Classification Sherloc (09022015). Collection method: clinical testing. Allele origin: germline.
Comment: This sequence change replaces glutamic acid, which is acidic and polar, with lysine, which is basic and polar, at codon 663 of the SAMD9L protein (p.Glu663Lys). This variant is not present in population databases (gnomAD no frequency). This variant has not been reported in the literature in individuals affected with SAMD9L-related conditions. Advanced modeling of protein sequence and biophysical properties (such as structural, functional, and spatial information, amino acid conservation, physicochemical variation, residue mobility, and thermodynamic stability) has been performed at Invitae for this missense variant, however the output from this modeling did not meet the statistical confidence thresholds required to predict the impact of this variant on SAMD9L protein function. In summary, the available evidence is currently insufficient to determine the role of this variant in disease. Therefore, it has been classified as a Variant of Uncertain Significance.

GeneDx
Classification: Uncertain significance. Last evaluated: 2024-05-05. Review status: criteria provided, single submitter. Criteria: GeneDx Variant Classification Process June 2021. Collection method: clinical testing. Allele origin: germline. Affected: yes.
Comment: Not observed at significant frequency in large population cohorts (gnomAD); In silico analysis indicates that this missense variant does not alter protein structure/function; Has not been previously published as pathogenic or benign to our knowledge